The following is an entry in ClinVar:

ClinVar aggregate classification (germline): Benign. Review status: criteria provided, multiple submitters, no conflicts (2 of 4 stars). 3 submissions from 3 submitters: Benign (3). Last evaluated 2026-02-04.

Conditions:
Encephalopathy, acute, infection-induced (herpes-specific), susceptibility to, 1. Also called: Herpes simplex encephalitis, susceptibility to, 1. Identifiers: Orphanet 1930, MedGen C2750180, MONDO:0024563, OMIM 610551.

Allele frequency attached by ClinVar (database versions not stated): gnomAD exomes 0.24365 and 0.12224; gnomAD 0.34645 and 0.33574; ExAC 0.05638; 1000 Genomes Project 30x 0.25547; 1000 Genomes Project 0.25659.
gnomAD v4.1: 361,040 of 1,433,224 alleles (25%); highest among the groups gnomAD compares: African/African-American, 43%; 45,887 homozygotes.

Submissions (3):

Labcorp Genetics (formerly Invitae), Labcorp
Classification: Benign for Encephalopathy, acute, infection-induced (herpes-specific), susceptibility to, 1. Last evaluated: 2026-02-04. Review status: criteria provided, single submitter. Criteria: Invitae Variant Classification Sherloc (09022015). Collection method: clinical testing. Allele origin: germline.

Unidad de Genómica Garrahan, Hospital de Pediatría Garrahan
Classification: Benign. Last evaluated: 2024-01-24. Review status: criteria provided, single submitter. Criteria: ACMG Guidelines, 2015. Collection method: clinical testing. Allele origin: germline. Affected: no. Observed: 25 variant alleles.
Comment: This variant is classified as Benign based on local population frequency. This variant was detected in 26% of patients studied by a panel of primary immunodeficiencies. Number of patients: 25. Only high quality variants are reported.

Breakthrough Genomics
Classification: Benign. Review status: criteria provided, single submitter. Criteria: ACMG Guidelines, 2015. Collection method: not provided. Allele origin: germline. Inheritance: Unknown mechanism. Affected: yes.

NM_030930.4(UNC93B1):c.1557C>G (p.Arg519=)

Gene: UNC93B1 (unc-93B1 regulator of TLR signaling; minus strand). Cytogenetic location: 11q13.2.
Variant type: single nucleotide variant.
Coding change: c.1557C>G on transcript NM_030930.4 (MANE Select); coding-DNA position 1557, C replaced by G.
Protein change: p.Arg519=; no amino-acid change (arginine 519 retained).
Molecular consequence: synonymous variant.
Genome position (GRCh38, 1-based): chr11:67,991,783, G>C on the plus strand (C>G on the coding strand, the complement: UNC93B1 is on the minus strand). VCF-style: chr11-67991783-G-C. GRCh37 (hg19) VCF-style: chr11-67759254-G-C.
Identifiers: ClinVar variation 537932 (VCV000537932.15), dbSNP rs7149, ClinGen allele CA6145358.